The following is an entry in ClinVar:

ClinVar aggregate classification (germline): Uncertain significance. Review status: criteria provided, multiple submitters, no conflicts (2 of 4 stars). 3 submissions from 3 submitters: Uncertain significance (3). Last evaluated 2025-11-25.

Conditions:
Acromelic frontonasal dysostosis (AFND). Identifiers: Orphanet 1827, MedGen C1863616, MONDO:0011359, OMIM 603671.
Inborn genetic diseases. Identifiers: MedGen C0950123, MeSH D030342.

Allele frequency attached by ClinVar (database versions not stated): TOPMed below 0.00001; gnomAD exomes 0.00001 and 0.00002; ExAC 0.00005.
gnomAD v4.1: 24 of 1,551,352 alleles (0.0015%); highest among the groups gnomAD compares: Middle Eastern, 0.23%; no homozygotes.

Submissions (3):

Women's Health and Genetics/Laboratory Corporation of America, LabCorp
Classification: Uncertain significance. Last evaluated: 2025-11-25. Review status: criteria provided, single submitter. Criteria: LabCorp Variant Classification Summary - May 2015. Collection method: clinical testing. Allele origin: germline.
Comment: Variant summary: ZSWIM6 c.2281C>T (p.Arg761Trp) results in a non-conservative amino acid change in the encoded protein sequence. Algorithms developed to predict the effect of missense changes on protein structure and function are either unavailable or do not agree on the potential impact of this missense change. The variant allele was found at a frequency of 1.5e-05 in 1551352 control chromosomes (gnomAD v4.1). The occurrence in several carriers suggests that the variant is not causal for a dominant, high penetrance, early onset disease phenotype. To our knowledge, no occurrence of c.2281C>T in individuals affected with ZSWIM6-related conditions and no experimental evidence demonstrating its impact on protein function have been reported. ClinVar contains an entry for this variant (Variation ID: 1029795). Based on the evidence outlined above, the variant was classified as VUS-possibly benign.

Ambry Genetics
Classification: Uncertain significance for Inborn genetic diseases. Last evaluated: 2025-06-24. Review status: criteria provided, single submitter. Criteria: Ambry Variant Classification Scheme 2023. Collection method: clinical testing. Allele origin: germline.

Baylor Genetics
Classification: Uncertain significance for Acromelic frontonasal dysostosis. Last evaluated: 2020-01-20. Review status: criteria provided, single submitter. Criteria: ACMG Guidelines, 2015. Collection method: clinical testing. Allele origin: unknown. Affected: yes.
Comment: This variant was determined to be of uncertain significance according to ACMG Guidelines, 2015 [PMID:25741868].

NM_020928.2(ZSWIM6):c.2281C>T (p.Arg761Trp)

Gene: ZSWIM6 (zinc finger SWIM-type containing 6; plus strand). Cytogenetic location: 5q12.1.
Variant type: single nucleotide variant.
Coding change: c.2281C>T on transcript NM_020928.2 (MANE Select); coding-DNA position 2281, C replaced by T.
Protein change: p.Arg761Trp; replaces arginine 761 with tryptophan.
Molecular consequence: missense variant.
Genome position (GRCh38, 1-based): chr5:61,535,519, C>T. VCF-style: chr5-61535519-C-T. GRCh37 (hg19) VCF-style: chr5-60831346-C-T.
Other names: short protein forms R761W.
Identifiers: ClinVar variation 1029795 (VCV001029795.4), dbSNP rs756935198, ClinGen allele CA3278438.